The following is an entry in ClinVar:

NM_001127208.3(TET2):c.2399A>C (p.His800Pro)

Genes: TET2 (tet methylcytosine dioxygenase 2; plus strand), TET2-AS1 (TET2 antisense RNA 1; minus strand). Cytogenetic location: 4q24.
Variant type: single nucleotide variant.
Coding change: c.2399A>C on transcript NM_001127208.3 (MANE Select); coding-DNA position 2399, A replaced by C.
Protein change: p.His800Pro; replaces histidine 800 with proline.
Molecular consequence: missense variant.
Genome position (GRCh38, 1-based): chr4:105,236,341, A>C. VCF-style: chr4-105236341-A-C. GRCh37 (hg19) VCF-style: chr4-106157498-A-C.
Other names: c.2399A>C, p.His800Pro (NM_017628.4); short protein forms H800P.
Identifiers: ClinVar variation 4865514 (VCV004865514.1).

ClinVar aggregate classification (germline): Uncertain significance (1 of 4 stars; one submission).

Submission:

Ambry Genetics
Classification: Uncertain significance. Last evaluated: 2026-03-29. Review status: criteria provided, single submitter. Criteria: Ambry Variant Classification Scheme 2023. Collection method: clinical testing. Allele origin: germline.
Comment: The p.H800P variant (also known as c.2399A>C), located in coding exon 1 of the TET2 gene, results from an A to C substitution at nucleotide position 2399. The histidine at codon 800 is replaced by proline, an amino acid with similar properties. This amino acid position is conserved. In addition, this alteration is predicted to be tolerated by in silico analysis. Based on the available evidence, the clinical significance of this variant remains unclear.